The following is an entry in ClinVar:

ClinVar aggregate classification (germline): Pathogenic/Likely pathogenic. Review status: criteria provided, multiple submitters, no conflicts (2 of 4 stars). 2 submissions from 2 submitters: Pathogenic (1); Likely pathogenic (1). Last evaluated 2026-07-08.

Conditions:
MUSK-related disorder. Also called: MUSK-related condition; MUSK-related disorders.
Fetal akinesia deformation sequence 1 (FADS1). Also called: Pena-Shokeir syndrome type I; Fetal akinesia sequence. Identifiers: Orphanet 994, MedGen C1276035, MONDO:0100101, OMIM 208150, HP:0001989.
Congenital myasthenic syndrome 9. Also called: Myasthenic syndrome, congenital, 9, associated with acetylcholine receptor deficiency. Identifiers: Orphanet 590, MedGen C4225368, MONDO:0014587, OMIM 616325.

Allele frequency attached by ClinVar (database versions not stated): TOPMed below 0.00001; ExAC 0.00001; gnomAD exomes 0.00001; ESP Exome Variant Server 0.00008.

Submissions (2):

PreventionGenetics, part of Exact Sciences
Classification: Likely pathogenic for MUSK-related condition. Last evaluated: 2026-07-08. Review status: criteria provided, single submitter. Criteria: ACMG Guidelines, 2015. Collection method: clinical testing. Allele origin: germline.
Comment: The MUSK c.2010delG variant is predicted to result in a frameshift and premature protein termination (p.Met670Ilefs*16). To our knowledge, this variant has not been reported in the literature. This variant is reported in 0.00089% of alleles in individuals of European (Non-Finnish) descent in gnomAD. Frameshift variants in MUSK are expected to be pathogenic. This variant is interpreted as likely pathogenic.

Labcorp Genetics (formerly Invitae), Labcorp
Classification: Pathogenic for Congenital myasthenic syndrome 9; Fetal akinesia deformation sequence 1. Last evaluated: 2024-02-22. Review status: criteria provided, single submitter. Criteria: Invitae Variant Classification Sherloc (09022015). Collection method: clinical testing. Allele origin: germline.
Comment: This sequence change creates a premature translational stop signal (p.Met670Ilefs*16) in the MUSK gene. While this is not anticipated to result in nonsense mediated decay, it is expected to disrupt the last 200 amino acid(s) of the MUSK protein. This variant is present in population databases (rs765556063, gnomAD 0.0009%). This variant has not been reported in the literature in individuals affected with MUSK-related conditions. This variant disrupts a region of the MUSK protein in which other variant(s) (p.Val790Met) have been determined to be pathogenic (PMID: 15496425, 24122059, 30429133). This suggests that this is a clinically significant region of the protein, and that variants that disrupt it are likely to be disease-causing. For these reasons, this variant has been classified as Pathogenic.

Literature cited by the submitters: PubMed 15496425 (cited by Labcorp Genetics (formerly Invitae), Labcorp); PubMed 24122059 (cited by Labcorp Genetics (formerly Invitae), Labcorp); PubMed 30429133 (cited by Labcorp Genetics (formerly Invitae), Labcorp).

NM_005592.4(MUSK):c.2010del (p.Met670fs)

Gene: MUSK (muscle associated receptor tyrosine kinase; plus strand). Cytogenetic location: 9q31.3.
Variant type: Deletion.
Coding change: c.2010del on transcript NM_005592.4 (MANE Select); coding-DNA position 2010, one base deleted (G; older notation c.2010delG).
Protein change: p.Met670fs; shifts the reading frame from methionine 670.
Molecular consequence: frameshift variant.
Genome position (GRCh38, 1-based): chr9:110,800,388, G deleted. VCF-style (leftmost placement, unchanged base first): chr9-110800387-TG-T. GRCh37 (hg19) VCF-style: chr9-113562667-TG-T.
Other names: c.1752del, p.Met584fs (NM_001166280.2); c.1722del, p.Met574fs (NM_001166281.2); c.750del, p.Met250fs (NM_001369398.1); c.2010delG (NM_005592.3); short protein forms M584fs, M670fs, M250fs, M574fs.
Identifiers: ClinVar variation 2931650 (VCV002931650.4), dbSNP rs765556063, ClinGen allele CA5184553.